The following is an entry in ClinVar:

NM_000155.4(GALT):c.166C>T (p.Gln56Ter)

Genes: GALT (galactose-1-phosphate uridylyltransferase; plus strand), LOC130001683 (ATAC-STARR-seq lymphoblastoid active region 28314; plus strand). Cytogenetic location: 9p13.3.
Variant type: single nucleotide variant.
Coding change: c.166C>T on transcript NM_000155.4 (MANE Select); coding-DNA position 166, C replaced by T.
Protein change: p.Gln56Ter; replaces glutamine 56 with a stop codon.
Molecular consequence: nonsense. On other transcripts: 5 prime UTR variant (1).
Genome position (GRCh38, 1-based): chr9:34,647,172, C>T. VCF-style: chr9-34647172-C-T. GRCh37 (hg19) VCF-style: chr9-34647169-C-T.
Other names: c.-37C>T (NM_001258332.2); short protein forms Q56*.
Identifiers: ClinVar variation 3653223 (VCV003653223.2).

ClinVar aggregate classification (germline): Pathogenic (1 of 4 stars; one submission).

Conditions:
Deficiency of UDPglucose-hexose-1-phosphate uridylyltransferase. Also called: GALT deficiency; Galactosemia, classic; GALACTOSEMIA I; GALACTOSE-1-PHOSPHATE URIDYLYLTRANSFERASE DEFICIENCY; Transferase Deficiency Galactosemia. Identifiers: Orphanet 352, Orphanet 79239, MedGen C0268151, MONDO:0009258, OMIM 230400.

Submission:

Labcorp Genetics (formerly Invitae), Labcorp
Classification: Pathogenic for Deficiency of UDPglucose-hexose-1-phosphate uridylyltransferase. Last evaluated: 2024-05-13. Review status: criteria provided, single submitter. Criteria: Invitae Variant Classification Sherloc (09022015). Collection method: clinical testing. Allele origin: germline.
Comment: This sequence change creates a premature translational stop signal (p.Gln56*) in the GALT gene. It is expected to result in an absent or disrupted protein product. Loss-of-function variants in GALT are known to be pathogenic (PMID: 22944367). This variant is not present in population databases (gnomAD no frequency). This variant has not been reported in the literature in individuals affected with GALT-related conditions. For these reasons, this variant has been classified as Pathogenic.

Literature cited by the submitters: PubMed 22944367.